The following is an entry in ClinVar:

NM_017763.6(RNF43):c.1688_1689del (p.Gln563fs)

Gene: RNF43 (ring finger protein 43; minus strand). Cytogenetic location: 17q22.
Variant type: Deletion.
Coding change: c.1688_1689del on transcript NM_017763.6 (MANE Select); coding-DNA positions 1688 to 1689, 2 bases deleted (AG; older notation c.1688_1689delAG).
Protein change: p.Gln563fs; shifts the reading frame from glutamine 563.
Molecular consequence: frameshift variant.
Genome position (GRCh38, 1-based): chr17:58,358,087-58,358,088, CT deleted on the plus strand (AG on the coding strand, the reverse complement: RNF43 is on the minus strand). VCF-style (leftmost placement, unchanged base first): chr17-58358086-ACT-A. GRCh37 (hg19) VCF-style: chr17-56435447-ACT-A.
Other names: c.1688_1689delAG, p.Gln563Leufs (NM_001305544.3); c.1307_1308delAG, p.Gln436Leufs (NM_001305545.2); short protein forms Q436fs, Q563fs.
Identifiers: ClinVar variation 2829573 (VCV002829573.26), dbSNP rs2509343002, ClinGen allele CA2739268260.
Genomic context (GRCh38, chr17:58,358,086, plus strand): 5'-GAGGAATAGGAGGCCTGGACTGGGGGACTCCGGTTTCTGGGCCAGGCTTCCTGCCATGCC[ACT>A]GGAACCGCTTTTTGTAGTGGTGGTGCCGGTGGCGGTGGTAGTGGACATGGCTGGAAACCT-3'

ClinVar aggregate classification (germline): Conflicting classifications of pathogenicity. Review status: criteria provided, conflicting classifications (1 of 4 stars). 3 submissions from 3 submitters: Pathogenic (1); Uncertain significance (2). Last evaluated 2025-12-15.

Conditions:
Sessile serrated polyposis cancer syndrome (SSPCS). Identifiers: Orphanet 157798, MedGen C4310714, MONDO:0014919, OMIM 617108.

Submissions (3):

Myriad Genetics, Inc.
Classification: Pathogenic for Sessile serrated polyposis cancer syndrome. Last evaluated: 2025-12-15. Review status: criteria provided, single submitter. Criteria: Myriad Autosomal Dominant, Autosomal Recessive and X-Linked Classification Criteria (2023). Collection method: clinical testing. Allele origin: unknown.
Comment: This variant is considered pathogenic. This variant creates a frameshift predicted to result in premature protein truncation.

CeGaT Center for Human Genetics Tuebingen
Classification: Uncertain significance. Last evaluated: 2023-12-01. Review status: criteria provided, single submitter. Criteria: CeGaT Center For Human Genetics Tuebingen Variant Classification Criteria Version 2. Collection method: clinical testing. Allele origin: germline. Affected: yes. Observed: 1 variant allele.
Comment: RNF43: PVS1:Strong, PM2, BS3:Supporting

Labcorp Genetics (formerly Invitae), Labcorp
Classification: Uncertain significance. Last evaluated: 2023-08-10. Review status: criteria provided, single submitter. Criteria: Invitae Variant Classification Sherloc (09022015). Collection method: clinical testing. Allele origin: germline.
Comment: In summary, the available evidence is currently insufficient to determine the role of this variant in disease. Therefore, it has been classified as a Variant of Uncertain Significance. This variant has not been reported in the literature in individuals affected with RNF43-related conditions. This variant is not present in population databases (gnomAD no frequency). This sequence change creates a premature translational stop signal (p.Gln563Leufs*32) in the RNF43 gene. It is expected to result in an absent or disrupted protein product. However, the current clinical and genetic evidence is not sufficient to establish whether loss-of-function variants in RNF43 cause disease.